The following is an entry in ClinVar:

ClinVar aggregate classification (germline): Pathogenic (1 of 4 stars; one submission).

Conditions:
Hereditary hemorrhagic telangiectasia (HHT). Also called: ORW DISEASE; Osler Weber Rendu syndrome; OSLER-RENDU-WEBER DISEASE; Osler hemorrhagic telangiectasia syndrome. Identifiers: Orphanet 774, MedGen C0039445, MONDO:0019180. Disease mechanism: loss of function.

Allele frequency attached by ClinVar (database versions not stated): TOPMed below 0.00001.

Submission:

Labcorp Genetics (formerly Invitae), Labcorp
Classification: Pathogenic for Hereditary hemorrhagic telangiectasia. Last evaluated: 2023-07-12. Review status: criteria provided, single submitter. Criteria: Invitae Variant Classification Sherloc (09022015). Collection method: clinical testing. Allele origin: germline.
Comment: This sequence change affects a donor splice site in intron 6 of the ENG gene. It is expected to disrupt RNA splicing. Variants that disrupt the donor or acceptor splice site typically lead to a loss of protein function (PMID: 16199547), and loss-of-function variants in ENG are known to be pathogenic (PMID: 15879500). This variant is not present in population databases (gnomAD no frequency). Disruption of this splice site has been observed in individuals with hereditary hemorrhagic telangiectasia (PMID: 15880681, 32300199). Algorithms developed to predict the effect of sequence changes on RNA splicing suggest that this variant may disrupt the consensus splice site. For these reasons, this variant has been classified as Pathogenic.

Literature cited by the submitters: PubMed 16199547; PubMed 15879500; PubMed 15880681; PubMed 32300199.

NM_001114753.3(ENG):c.816+2T>C

Gene: ENG (endoglin; minus strand). Cytogenetic location: 9q34.11.
Variant type: single nucleotide variant.
Coding change: c.816+2T>C on transcript NM_001114753.3 (MANE Select); the canonical splice donor site of the intron after coding-DNA position 816, T replaced by C.
Molecular consequence: splice donor variant.
Genome position (GRCh38, 1-based): chr9:127,825,229, A>G on the plus strand (T>C on the coding strand, the complement: ENG is on the minus strand). VCF-style: chr9-127825229-A-G. GRCh37 (hg19) VCF-style: chr9-130587508-A-G.
Other names: c.816+2T>C (NM_000118.4, NM_001406715.1); c.270+2T>C (NM_001278138.2).
Identifiers: ClinVar variation 2735345 (VCV002735345.3), dbSNP rs1271981862, ClinGen allele CA374982987.
Genomic context (GRCh38, chr9:127,825,229, plus strand): 5'-ACTTCCCTGATCCAGAGGTTGGGAGTTTGGGTTTTGTGTCCCGGGAGCTGCGCACAACTC[A>G]CCCAGATCTGCATGTTGTGGTTGGCGTCGATGAGCCAGGACACGTAGGGGGGACCCTGCA-3'